The following is an entry in ClinVar:

ClinVar aggregate classification (germline): Pathogenic (1 of 4 stars; one submission).

Submission:

Labcorp Genetics (formerly Invitae), Labcorp
Classification: Pathogenic. Last evaluated: 2021-09-01. Review status: criteria provided, single submitter. Criteria: Invitae Variant Classification Sherloc (09022015). Collection method: clinical testing. Allele origin: germline.
Comment: This variant is not present in population databases (ExAC no frequency). This premature translational stop signal has been observed in individual(s) with Usher syndrome (PMID: 21569298). For these reasons, this variant has been classified as Pathogenic. This sequence change creates a premature translational stop signal (p.Tyr4128Hisfs*24) in the USH2A gene. It is expected to result in an absent or disrupted protein product. Loss-of-function variants in USH2A are known to be pathogenic (PMID: 10729113, 10909849, 20507924, 25649381).

Literature cited by the submitters: PubMed 21569298; PubMed 10729113; PubMed 10909849; PubMed 20507924; PubMed 25649381.

NM_206933.4(USH2A):c.12381_12382del (p.Tyr4128fs)

Gene: USH2A (usherin; minus strand). Cytogenetic location: 1q41.
Variant type: Microsatellite.
Coding change: c.12381_12382del on transcript NM_206933.4 (MANE Select); coding-DNA positions 12381 to 12382, 2 bases deleted (CT; older notation c.12381_12382delCT).
Protein change: p.Tyr4128fs; shifts the reading frame from tyrosine 4128.
Molecular consequence: frameshift variant.
Genome position (GRCh38, 1-based): chr1:215,675,529-215,675,530, AG deleted on the plus strand (CT on the coding strand, the reverse complement: USH2A is on the minus strand); deleting any 2 consecutive bases within chr1:215,675,529-215,675,534 gives the same sequence; the c. name uses the placement nearest the transcript's 3' end. VCF-style (leftmost placement, unchanged base first): chr1-215675528-TAG-T. GRCh37 (hg19) VCF-style: chr1-215848870-TAG-T.
Other names: short protein forms Y4128fs.
Identifiers: ClinVar variation 1460032 (VCV001460032.7), dbSNP rs2102667069, ClinGen allele CA2580611240.